The following is an entry in ClinVar:

NM_058195.4(CDKN2A):c.34C>T (p.Arg12Trp)

Gene: CDKN2A (cyclin dependent kinase inhibitor 2A; minus strand). Cytogenetic location: 9p21.3.
Variant type: single nucleotide variant.
Coding change: c.34C>T on transcript NM_058195.4 (MANE Plus Clinical); coding-DNA position 34, C replaced by T.
Protein change: p.Arg12Trp; replaces arginine 12 with tryptophan.
Molecular consequence: missense variant. On other transcripts: intron variant (1).
Genome position (GRCh38, 1-based): chr9:21,994,298, G>A on the plus strand (C>T on the coding strand, the complement: CDKN2A is on the minus strand). VCF-style: chr9-21994298-G-A. GRCh37 (hg19) VCF-style: chr9-21994297-G-A.
Other names: c.-4+523C>T (NM_001363763.2); short protein forms R12W.
Identifiers: ClinVar variation 2563904 (VCV002563904.2), dbSNP rs1587358659, ClinGen allele CA373087072.

ClinVar aggregate classification (germline): Uncertain significance (1 of 4 stars; one submission).

Conditions:
Hereditary cancer-predisposing syndrome. Also called: Hereditary Cancer Syndrome; Hereditary neoplastic syndrome; Neoplastic Syndromes, Hereditary; Tumor predisposition. Identifiers: Orphanet 140162, MedGen C0027672, MeSH D009386, MONDO:0015356.

Submission:

Ambry Genetics
Classification: Uncertain significance for Hereditary cancer-predisposing syndrome. Last evaluated: 2023-06-06. Review status: criteria provided, single submitter. Criteria: Ambry Variant Classification Scheme 2023. Collection method: clinical testing. Allele origin: germline.
Comment: The p.R12W variant (also known as c.34C>T), located in coding exon 1 of the CDKN2A (p14ARF) gene, results from a C to T substitution at nucleotide position 34. The arginine at codon 12 is replaced by tryptophan, an amino acid with dissimilar properties. This amino acid position is well conserved in available vertebrate species. In addition, the in silico prediction for this alteration is inconclusive. Since supporting evidence is limited at this time, the clinical significance of this alteration remains unclear.